The following is an entry in ClinVar:

NM_003000.3(SDHB):c.540+1G>A

Gene: SDHB (succinate dehydrogenase complex iron sulfur subunit B; minus strand). Cytogenetic location: 1p36.13.
Variant type: single nucleotide variant.
Coding change: c.540+1G>A on transcript NM_003000.3 (MANE Select); the canonical splice donor site of the intron after coding-DNA position 540, G replaced by A.
Molecular consequence: splice donor variant.
Genome position (GRCh38, 1-based): chr1:17,027,748, C>T on the plus strand (G>A on the coding strand, the complement: SDHB is on the minus strand). VCF-style: chr1-17027748-C-T. GRCh37 (hg19) VCF-style: chr1-17354243-C-T.
Other names: c.486+1G>A (NM_001407361.1).
Identifiers: ClinVar variation 468237 (VCV000468237.8), dbSNP rs1553177667, ClinGen allele CA338272394.

ClinVar aggregate classification (germline): Likely pathogenic. Review status: criteria provided, multiple submitters, no conflicts (2 of 4 stars). 3 submissions from 3 submitters: Likely pathogenic (3). Last evaluated 2024-08-30.

Conditions:
SDHB-related disorder. Also called: SDHB-related condition; SDHB-related disorders. Identifiers: MedGen CN239418.
Pheochromocytoma. Also called: MAX-Related Hereditary Paraganglioma-Pheochromocytoma Syndrome. Identifiers: Orphanet 29072, MedGen C0031511, MONDO:0008233, OMIM 171300, HP:0002666.
Pheochromocytoma/paraganglioma syndrome 4. Also called: CAROTID BODY TUMORS AND MULTIPLE EXTRAADRENAL PHEOCHROMOCYTOMAS; SDHB-Related Hereditary Paraganglioma-Pheochromocytoma Syndrome; PARAGANGLIOMA, FAMILIAL MALIGNANT; PARAGANGLIOMAS, HEREDITARY EXTRAADRENAL; PHEOCHROMOCYTOMA, FAMILIAL EXTRAADRENAL; Paragangliomas 4. Identifiers: Orphanet 29072, MedGen C1861848, MONDO:0007273, OMIM 115310.
Gastrointestinal stromal tumor. Also called: Gastrointestinal stromal tumor, somatic; Gastrointestinal stroma tumor. Identifiers: Orphanet 44890, MedGen C0238198, MeSH D046152, MONDO:0011719, OMIM 606764, HP:0100723.

Submissions (3):

Labcorp Genetics (formerly Invitae), Labcorp
Classification: Likely pathogenic for Gastrointestinal stromal tumor; Pheochromocytoma/paraganglioma syndrome 4; Pheochromocytoma. Last evaluated: 2024-08-30. Review status: criteria provided, single submitter. Criteria: Invitae Variant Classification Sherloc (09022015). Collection method: clinical testing. Allele origin: germline.
Comment: This sequence change affects a donor splice site in intron 5 of the SDHB gene. It is expected to disrupt RNA splicing. Variants that disrupt the donor or acceptor splice site typically lead to a loss of protein function (PMID: 16199547), and loss-of-function variants in SDHB are known to be pathogenic (PMID: 19454582, 19802898). This variant is not present in population databases (gnomAD no frequency). This variant has not been reported in the literature in individuals affected with SDHB-related conditions. ClinVar contains an entry for this variant (Variation ID: 468237). Algorithms developed to predict the effect of sequence changes on RNA splicing suggest that this variant may disrupt the consensus splice site. In summary, the currently available evidence indicates that the variant is pathogenic, but additional data are needed to prove that conclusively. Therefore, this variant has been classified as Likely Pathogenic.

Clinical Genetics Laboratory, Skane University Hospital Lund
Classification: Likely pathogenic. Last evaluated: 2023-11-15. Review status: criteria provided, single submitter. Criteria: ACMG Guidelines, 2015. Collection method: clinical testing. Allele origin: germline. Affected: yes.

Blueprint Genetics
Classification: Likely pathogenic for SDHB-related disorders. Last evaluated: 2021-06-30. Review status: criteria provided, single submitter. Criteria: ACMG Guidelines, 2015. Collection method: clinical testing. Allele origin: germline. Affected: yes. Observed: 1 variant allele.

Literature cited by the submitters: PubMed 16199547 (cited by Labcorp Genetics (formerly Invitae), Labcorp); PubMed 19454582 (cited by Labcorp Genetics (formerly Invitae), Labcorp); PubMed 19802898 (cited by Labcorp Genetics (formerly Invitae), Labcorp).